The following is an entry in ClinVar:

NM_000053.4(ATP7B):c.1286-93A>C

Gene: ATP7B (ATPase copper transporting beta; minus strand). Cytogenetic location: 13q14.3.
Variant type: single nucleotide variant.
Coding change: c.1286-93A>C on transcript NM_000053.4 (MANE Select); 93 bases into the intron before coding-DNA position 1286, A replaced by C.
Molecular consequence: intron variant.
Genome position (GRCh38, 1-based): chr13:51,970,842, T>G on the plus strand (A>C on the coding strand, the complement: ATP7B is on the minus strand). VCF-style: chr13-51970842-T-G. GRCh37 (hg19) VCF-style: chr13-52544978-T-G.
Other names: c.953-93A>C (NM_001243182.2); c.1286-93A>C (NM_001005918.3, NM_001330579.2, NM_001330578.2).
Identifiers: ClinVar variation 676102 (VCV000676102.2), dbSNP rs3742288, ClinGen allele CA13789272.

ClinVar aggregate classification (germline): Benign. Review status: criteria provided, multiple submitters, no conflicts (2 of 4 stars). 2 submissions from 2 submitters: Benign (2). Last evaluated 2018-06-14.

Allele frequency attached by ClinVar (database versions not stated): 1000 Genomes Project 30x 0.37430; 1000 Genomes Project 0.37760; TOPMed 0.39341; gnomAD 0.40483 and 0.40602; gnomAD exomes 0.47079.
gnomAD v4.1: 632,165 of 1,363,872 alleles (46%); highest among the groups gnomAD compares: Non-Finnish European, 49%; 150,050 homozygotes.

Submissions (2):

GeneDx
Classification: Benign. Last evaluated: 2018-06-14. Review status: criteria provided, single submitter. Criteria: GeneDx Variant Classification (06012015). Collection method: clinical testing. Allele origin: germline. Affected: yes.
Comment: This variant is considered likely benign or benign based on one or more of the following criteria: it is a conservative change, it occurs at a poorly conserved position in the protein, it is predicted to be benign by multiple in silico algorithms, and/or has population frequency not consistent with disease.

Breakthrough Genomics
Classification: Benign. Review status: criteria provided, single submitter. Criteria: ACMG Guidelines, 2015. Collection method: not provided. Allele origin: germline. Inheritance: Autosomal recessive inheritance. Affected: yes.